The following is an entry in ClinVar:

ClinVar aggregate classification (germline): Uncertain significance (1 of 4 stars; one submission).

Conditions:
Familial adenomatous polyposis 1 (FAP1). Also called: POLYPOSIS, ADENOMATOUS INTESTINAL; FAMILIAL ADENOMATOUS POLYPOSIS 1, ATTENUATED. Identifiers: MedGen C2713442, MONDO:0021056, OMIM 175100. Disease mechanism: loss of function.

Submission:

Labcorp Genetics (formerly Invitae), Labcorp
Classification: Uncertain significance for Familial adenomatous polyposis 1. Last evaluated: 2025-05-22. Review status: criteria provided, single submitter. Criteria: Invitae Variant Classification Sherloc (09022015). Collection method: clinical testing. Allele origin: germline.
Comment: This variant occurs in a non-coding region of the APC gene. It does not change the encoded amino acid sequence of the APC protein. This variant is not present in population databases (gnomAD no frequency). This variant has not been reported in the literature in individuals affected with APC-related conditions. Experimental studies and prediction algorithms are not available or were not evaluated, and the functional significance of this variant is currently unknown. In summary, the available evidence is currently insufficient to determine the role of this variant in disease. Therefore, it has been classified as a Variant of Uncertain Significance.

NM_001127511.3(APC):c.-111G>T

Gene: APC (APC regulator of Wnt signaling pathway; plus strand). Cytogenetic location: 5q22.2.
Variant type: single nucleotide variant.
Coding change: c.-111G>T on transcript NM_001127511.3; 111 bases upstream of the start codon, G replaced by T.
Molecular consequence: 5 prime UTR variant. On other transcripts: non-coding transcript variant (2).
Genome position (GRCh38, 1-based): chr5:112,707,607, G>T. VCF-style: chr5-112707607-G-T. GRCh37 (hg19) VCF-style: chr5-112043304-G-T.
Other names: c.-294G>T (NM_001407447.1, NM_001407452.1, NM_001407456.1 and 3 more transcripts); c.-61G>T (NM_001407448.1, NM_001407450.1, NM_001407457.1 and 1 more transcripts); c.-85G>T (NM_001407453.1); c.-1329G>T (NM_001407470.1, NM_001407472.1); c.-111G>T (NM_001354897.2, NM_001354902.2, NM_001407446.1).
Identifiers: ClinVar variation 4809547 (VCV004809547.1).